The following is an entry in ClinVar:

ClinVar aggregate classification (germline): Likely benign (1 of 4 stars; one submission).

Submission:

CeGaT Center for Human Genetics Tuebingen
Classification: Likely benign. Last evaluated: 2026-09-01. Review status: criteria provided, single submitter. Criteria: CeGaT Center For Human Genetics Tuebingen Variant Classification Criteria Version 2. Collection method: clinical testing. Allele origin: germline. Affected: yes. Observed: 1 variant allele.
Comment: GTF2I: BP4, BP7

NC_000007.14:g.74650465C>T

Gene: GTF2I (general transcription factor IIi; plus strand). Cytogenetic location: 7q11.23.
Variant type: single nucleotide variant.
Genome position: GRCh38 VCF-style: chr7-74650465-C-T. GRCh37 (hg19) VCF-style: chr7-74064805-C-T.
Identifiers: ClinVar variation 5041205 (VCV005041205.1).
Genomic context (GRCh38, chr7:74,650,465, plus strand): 5'-GAAAGTTCTCGACTTAATCAGGAAAGACAAAAAATCCTATGCTGAGGTTGCTAAGATCTA[C>T]GGGAAGAATGAATCTTCCATCCGTGAAATTGTGAAGAAGGAAAAAGAAATTCGTGCTAGT-3'